The following is an entry in ClinVar:

NM_003803.4(MYOM1):c.2273C>T (p.Ser758Leu)

Gene: MYOM1 (myomesin 1; minus strand). Cytogenetic location: 18p11.31.
Variant type: single nucleotide variant.
Coding change: c.2273C>T on transcript NM_003803.4 (MANE Select); coding-DNA position 2273, C replaced by T.
Protein change: p.Ser758Leu; replaces serine 758 with leucine.
Molecular consequence: missense variant.
Genome position (GRCh38, 1-based): chr18:3,134,761, G>A on the plus strand (C>T on the coding strand, the complement: MYOM1 is on the minus strand). VCF-style: chr18-3134761-G-A. GRCh37 (hg19) VCF-style: chr18-3134759-G-A.
Other names: c.2273C>T, p.Ser758Leu (NM_019856.2); short protein forms S758L.
Identifiers: ClinVar variation 2020696 (VCV002020696.5), dbSNP rs376205950, ClinGen allele CA8874697.
Genomic context (GRCh38, chr18:3,134,761, plus strand): 5'-GCAACGCTCGCCTCTATGTAGTACCCGACCAGCTCTTTGGCATCTTTGGACTCCTCCCAC[G>A]AAACTACCACTGAGGTGTCTGTGTTTCTGCTTGGGATGATTTTGCCAGGAGCCTTGGGGA-3'
Protein context (NP_003794.3, residues 748-768): SRNTDTSVVV[Ser758Leu]WEESKDAKEL

ClinVar aggregate classification (germline): Uncertain significance. Review status: criteria provided, multiple submitters, no conflicts (2 of 4 stars). 2 submissions from 2 submitters: Uncertain significance (2). Last evaluated 2024-10-22.

Conditions:
Hypertrophic cardiomyopathy. Also called: HYPERTROPHIC MYOCARDIOPATHY. Identifiers: Orphanet 217569, MedGen C0007194, MeSH D002312, MONDO:0005045, HP:0001639.

Allele frequency attached by ClinVar (database versions not stated): gnomAD 0.00002; ExAC 0.00004; ESP Exome Variant Server 0.00008.
gnomAD v4.1: 25 of 1,613,782 alleles (0.0015%); highest among the groups gnomAD compares: Admixed American, 0.0067%; no homozygotes.

Submissions (2):

Ambry Genetics
Classification: Uncertain significance. Last evaluated: 2024-10-22. Review status: criteria provided, single submitter. Criteria: Ambry Variant Classification Scheme 2023. Collection method: clinical testing. Allele origin: germline.

Labcorp Genetics (formerly Invitae), Labcorp
Classification: Uncertain significance for Hypertrophic cardiomyopathy. Last evaluated: 2022-01-26. Review status: criteria provided, single submitter. Criteria: Invitae Variant Classification Sherloc (09022015). Collection method: clinical testing. Allele origin: germline.
Comment: This sequence change replaces serine, which is neutral and polar, with leucine, which is neutral and non-polar, at codon 758 of the MYOM1 protein (p.Ser758Leu). The frequency data for this variant in the population databases is considered unreliable, as metrics indicate poor data quality at this position in the gnomAD database. This variant has not been reported in the literature in individuals affected with MYOM1-related conditions. Algorithms developed to predict the effect of missense changes on protein structure and function are either unavailable or do not agree on the potential impact of this missense change (SIFT: "Deleterious"; PolyPhen-2: "Possibly Damaging"; Align-GVGD: "Class C0"). In summary, the available evidence is currently insufficient to determine the role of this variant in disease. Therefore, it has been classified as a Variant of Uncertain Significance.